The following is an entry in ClinVar:

ClinVar aggregate classification (germline): Uncertain significance (1 of 4 stars; one submission).

Conditions:
Hyperinsulinism-hyperammonemia syndrome (HHF6). Identifiers: Orphanet 35878, MedGen C1847555, MONDO:0011717, OMIM 606762.

Allele frequency attached by ClinVar (database versions not stated): gnomAD exomes 0.00001; TOPMed 0.00001.

Submission:

MVZ Medizinische Genetik Mainz
Classification: Uncertain significance for Hyperinsulinism-hyperammonemia syndrome. Last evaluated: 2022-07-20. Review status: criteria provided, single submitter. Criteria: UK Practice Guidelines For Variant Classification V4 01 2020. Collection method: clinical testing. Allele origin: germline. Inheritance: Autosomal dominant inheritance. Affected: yes. Observed: 1 variant allele.
Comment: ACMG Criteria: PM1, PM2_SUP, PP2, PP3

NM_005271.5(GLUD1):c.1225A>G (p.Thr409Ala)

Gene: GLUD1 (glutamate dehydrogenase 1; minus strand). Cytogenetic location: 10q23.2.
Variant type: single nucleotide variant.
Coding change: c.1225A>G on transcript NM_005271.5 (MANE Select); coding-DNA position 1225, A replaced by G.
Protein change: p.Thr409Ala; replaces threonine 409 with alanine.
Molecular consequence: missense variant.
Genome position (GRCh38, 1-based): chr10:87,060,214, T>C on the plus strand (A>G on the coding strand, the complement: GLUD1 is on the minus strand). VCF-style: chr10-87060214-T-C. GRCh37 (hg19) VCF-style: chr10-88819971-T-C.
Other names: c.826A>G, p.Thr276Ala (NM_001318900.1); c.724A>G, p.Thr242Ala (NM_001318901.1, NM_001318902.1, NM_001318904.2 and 2 more transcripts); short protein forms T242A, T276A, T409A.
Identifiers: ClinVar variation 3236361 (VCV003236361.1), dbSNP rs1459687448, ClinGen allele CA377466737.
Genomic context (GRCh38, chr10:87,060,214, plus strand): 5'-GACTTACTGGAATAACCATAATGTTTCTCTCCAGGAAGATCTTGTCAGCTTCTGGAGTTG[T>C]TGGCCCATTGGCACCTTCAGCAATGATCTGCAAGAGAGTCAGGAACATAGAGAAATGCGA-3'
Protein context (NP_005262.1, residues 399-419): KIIAEGANGP[Thr409Ala]TPEADKIFLE